The following is an entry in ClinVar:

ClinVar aggregate classification (germline): Uncertain significance (1 of 4 stars; one submission).

Allele frequency attached by ClinVar (database versions not stated): gnomAD 0.00003; TOPMed 0.00004; gnomAD exomes 0.00013; ExAC 0.00003.
gnomAD v4.1: 188 of 1,613,146 alleles (0.012%); highest among the groups gnomAD compares: Non-Finnish European, 0.015%; 1 homozygote.

Submission:

Labcorp Genetics (formerly Invitae), Labcorp
Classification: Uncertain significance. Last evaluated: 2025-04-17. Review status: criteria provided, single submitter. Criteria: Invitae Variant Classification Sherloc (09022015). Collection method: clinical testing. Allele origin: germline.
Comment: This sequence change replaces arginine, which is basic and polar, with tryptophan, which is neutral and slightly polar, at codon 493 of the CLCN2 protein (p.Arg493Trp). This variant is present in population databases (rs767262596, gnomAD 0.006%). This variant has not been reported in the literature in individuals affected with CLCN2-related conditions. ClinVar contains an entry for this variant (Variation ID: 2022059). Invitae Evidence Modeling of protein sequence and biophysical properties (such as structural, functional, and spatial information, amino acid conservation, physicochemical variation, residue mobility, and thermodynamic stability) indicates that this missense variant is not expected to disrupt CLCN2 protein function with a negative predictive value of 80%. In summary, the available evidence is currently insufficient to determine the role of this variant in disease. Therefore, it has been classified as a Variant of Uncertain Significance.

NM_004366.6(CLCN2):c.1477C>T (p.Arg493Trp)

Gene: CLCN2 (chloride voltage-gated channel 2; minus strand). Cytogenetic location: 3q27.1.
Variant type: single nucleotide variant.
Coding change: c.1477C>T on transcript NM_004366.6 (MANE Select); coding-DNA position 1477, C replaced by T.
Protein change: p.Arg493Trp; replaces arginine 493 with tryptophan.
Molecular consequence: missense variant.
Genome position (GRCh38, 1-based): chr3:184,354,578, G>A on the plus strand (C>T on the coding strand, the complement: CLCN2 is on the minus strand). VCF-style: chr3-184354578-G-A. GRCh37 (hg19) VCF-style: chr3-184072366-G-A.
Other names: c.1426C>T, p.Arg476Trp (NM_001171087.3); c.1345C>T, p.Arg449Trp (NM_001171088.3); c.1477C>T, p.Arg493Trp (NM_001171089.3); short protein forms R476W, R449W, R493W.
Identifiers: ClinVar variation 2022059 (VCV002022059.4), dbSNP rs767262596, ClinGen allele CA2734089.